The following is an entry in ClinVar:

NM_182914.3(SYNE2):c.15446G>T (p.Arg5149Leu)

Gene: SYNE2 (spectrin repeat containing nuclear envelope protein 2; plus strand). Cytogenetic location: 14q23.2.
Variant type: single nucleotide variant.
Coding change: c.15446G>T on transcript NM_182914.3 (MANE Select); coding-DNA position 15446, G replaced by T.
Protein change: p.Arg5149Leu; replaces arginine 5149 with leucine.
Molecular consequence: missense variant.
Genome position (GRCh38, 1-based): chr14:64,143,911, G>T. VCF-style: chr14-64143911-G-T. GRCh37 (hg19) VCF-style: chr14-64610629-G-T.
Other names: c.15446G>T, p.Arg5149Leu (NM_015180.6); short protein forms R5149L.
Identifiers: ClinVar variation 573210 (VCV000573210.8), dbSNP rs142206385, ClinGen allele CA389944267.

ClinVar aggregate classification (germline): Uncertain significance (1 of 4 stars; one submission).

Conditions:
Emery-Dreifuss muscular dystrophy 5, autosomal dominant (EDMD5). Also called: EMERY-DREIFUSS MUSCULAR DYSTROPHY 5. Identifiers: Orphanet 261, MedGen C2751805, MONDO:0013072, OMIM 612999.

gnomAD v4.1: 1 of 1,614,188 alleles (0.000062%); highest among the groups gnomAD compares: Middle Eastern, 0.017%; no homozygotes.

Submission:

Labcorp Genetics (formerly Invitae), Labcorp
Classification: Uncertain significance for Emery-Dreifuss muscular dystrophy 5, autosomal dominant. Last evaluated: 2020-02-10. Review status: criteria provided, single submitter. Criteria: Invitae Variant Classification Sherloc (09022015). Collection method: clinical testing. Allele origin: germline.
Comment: This sequence change replaces arginine with leucine at codon 5149 of the SYNE2 protein (p.Arg5149Leu). The arginine residue is moderately conserved and there is a moderate physicochemical difference between arginine and leucine. This variant is not present in population databases (ExAC no frequency). This variant has not been reported in the literature in individuals with SYNE2-related disease. Algorithms developed to predict the effect of missense changes on protein structure and function do not agree on the potential impact of this missense change (SIFT: "Tolerated"; PolyPhen-2: "Possibly Damaging"; Align-GVGD: "Class C0"). In summary, the available evidence is currently insufficient to determine the role of this variant in disease. Therefore, it has been classified as a Variant of Uncertain Significance.